The following is an entry in ClinVar:

NM_025179.4(PLXNA2):c.1081C>T (p.Arg361Trp)

Gene: PLXNA2 (plexin A2; minus strand). Cytogenetic location: 1q32.2.
Variant type: single nucleotide variant.
Coding change: c.1081C>T on transcript NM_025179.4 (MANE Select); coding-DNA position 1081, C replaced by T.
Protein change: p.Arg361Trp; replaces arginine 361 with tryptophan.
Molecular consequence: missense variant.
Genome position (GRCh38, 1-based): chr1:208,216,842, G>A on the plus strand (C>T on the coding strand, the complement: PLXNA2 is on the minus strand). VCF-style: chr1-208216842-G-A. GRCh37 (hg19) VCF-style: chr1-208390187-G-A.
Other names: c.1081C>T (NM_025179.3); short protein forms R361W.
Identifiers: ClinVar variation 2086370 (VCV002086370.8), dbSNP rs202043088, ClinGen allele CA1373981.
Genomic context (GRCh38, chr1:208,216,842, plus strand): 5'-GGTTGCCCTCGCCCTGGTAGCAGGACTGCAGGCGCTCCTTGATCTGCAAGTTGATGGCCC[G>A]GATAGGGAAGGCACACAGGGCAGAGTCATCGGGCGGGTGGTGATACTGCTTCTGCCCTTT-3'
Protein context (NP_079455.3, residues 351-371): DDSALCAFPI[Arg361Trp]AINLQIKERL

ClinVar aggregate classification (germline): Uncertain significance. Review status: criteria provided, multiple submitters, no conflicts (2 of 4 stars). 3 submissions from 3 submitters: Uncertain significance (3). Last evaluated 2026-09-01.

Conditions:
PLXNA2-related disorder. Also called: PLXNA2-related condition.

Allele frequency attached by ClinVar (database versions not stated): gnomAD 0.00002; gnomAD exomes 0.00003; TOPMed 0.00005; ExAC 0.00006.
gnomAD v4.1: 52 of 1,614,056 alleles (0.0032%); highest among the groups gnomAD compares: Admixed American, 0.017%; no homozygotes.

Submissions (3):

PreventionGenetics, part of Exact Sciences
Classification: Uncertain significance for PLXNA2-related condition. Last evaluated: 2026-09-01. Review status: criteria provided, single submitter. Criteria: ACMG Guidelines, 2015. Collection method: clinical testing. Allele origin: germline.
Comment: The PLXNA2 c.1081C>T variant is predicted to result in the amino acid substitution p.Arg361Trp. To our knowledge, this variant has not been reported in the literature. This variant is reported in 0.069% of alleles in individuals of Ashkenazi Jewish descent in gnomAD. Although we suspect that this variant may be benign, at this time, the clinical significance of this variant is uncertain due to the absence of conclusive functional and genetic evidence.

Labcorp Genetics (formerly Invitae), Labcorp
Classification: Uncertain significance. Last evaluated: 2025-11-06. Review status: criteria provided, single submitter. Criteria: Invitae Variant Classification Sherloc (09022015). Collection method: clinical testing. Allele origin: germline.
Comment: This sequence change replaces arginine, which is basic and polar, with tryptophan, which is neutral and slightly polar, at codon 361 of the PLXNA2 protein (p.Arg361Trp). This variant is present in population databases (rs202043088, gnomAD 0.07%), and has an allele count higher than expected for a pathogenic variant. This variant has not been reported in the literature in individuals affected with PLXNA2-related conditions. ClinVar contains an entry for this variant (Variation ID: 2086370). Invitae Evidence Modeling of protein sequence and biophysical properties (such as structural, functional, and spatial information, amino acid conservation, physicochemical variation, residue mobility, and thermodynamic stability) has been performed for this missense variant. However, the output from this modeling did not meet the statistical confidence thresholds required to predict the impact of this variant on PLXNA2 protein function. In summary, the available evidence is currently insufficient to determine the role of this variant in disease. Therefore, it has been classified as a Variant of Uncertain Significance.

Ambry Genetics
Classification: Uncertain significance. Last evaluated: 2024-11-07. Review status: criteria provided, single submitter. Criteria: Ambry Variant Classification Scheme 2023. Collection method: clinical testing. Allele origin: germline.